The following is an entry in ClinVar:

ClinVar aggregate classification (germline): Uncertain significance (1 of 4 stars; one submission).

Conditions:
Familial adenomatous polyposis 2. Also called: COLORECTAL ADENOMATOUS POLYPOSIS, AUTOSOMAL RECESSIVE; ADENOMAS, MULTIPLE COLORECTAL, AUTOSOMAL RECESSIVE; Adenomas, multiple colorectal; FAP type 2; MUTYH Polyposis; MUTYH-associated polyposis. Identifiers: Orphanet 220460, Orphanet 247798, MedGen C3272841, MONDO:0012041, OMIM 608456.

Submission:

Labcorp Genetics (formerly Invitae), Labcorp
Classification: Uncertain significance for Familial adenomatous polyposis 2. Last evaluated: 2020-11-21. Review status: criteria provided, single submitter. Criteria: Invitae Variant Classification Sherloc (09022015). Collection method: clinical testing. Allele origin: germline.
Comment: This variant has not been reported in the literature in individuals with MUTYH-related conditions. This variant is not present in population databases (ExAC no frequency). This sequence change replaces lysine with glutamine at codon 450 of the MUTYH protein (p.Lys450Gln). The lysine residue is moderately conserved and there is a small physicochemical difference between lysine and glutamine. Algorithms developed to predict the effect of missense changes on protein structure and function (SIFT, PolyPhen-2, Align-GVGD) all suggest that this variant is likely to be tolerated, but these predictions have not been confirmed by published functional studies and their clinical significance is uncertain. In summary, the available evidence is currently insufficient to determine the role of this variant in disease. Therefore, it has been classified as a Variant of Uncertain Significance. Algorithms developed to predict the effect of sequence changes on RNA splicing suggest that this variant may create or strengthen a splice site, but this prediction has not been confirmed by published transcriptional studies.

NM_001048174.2(MUTYH):c.1264A>C (p.Lys422Gln)

Gene: MUTYH (mutY DNA glycosylase; minus strand). Cytogenetic location: 1p34.1.
Variant type: single nucleotide variant.
Coding change: c.1264A>C on transcript NM_001048174.2 (MANE Select); coding-DNA position 1264, A replaced by C.
Protein change: p.Lys422Gln; replaces lysine 422 with glutamine.
Molecular consequence: missense variant. On other transcripts: non-coding transcript variant (2).
Genome position (GRCh38, 1-based): chr1:45,331,310, T>G on the plus strand (A>C on the coding strand, the complement: MUTYH is on the minus strand). VCF-style: chr1-45331310-T-G. GRCh37 (hg19) VCF-style: chr1-45796982-T-G.
Other names: c.1267A>C, p.Lys423Gln (NM_001048172.2); c.1264A>C, p.Lys422Gln (NM_001048173.2, NM_001293195.2, NM_001048171.2); c.1348A>C, p.Lys450Gln (NM_001128425.2); c.1309A>C, p.Lys437Gln (NM_001293190.2); c.1297A>C, p.Lys433Gln (NM_001293191.2); c.988A>C, p.Lys330Gln (NM_001293192.2, NM_001293196.2); c.919A>C, p.Lys307Gln (NM_001350650.2, NM_001350651.2); c.1339A>C, p.Lys447Gln (NM_012222.3); short protein forms K307Q, K330Q, K422Q, K423Q, K433Q, K437Q, K447Q, K450Q.
Identifiers: ClinVar variation 1014607 (VCV001014607.8), dbSNP rs1644794654, ClinGen allele CA340132759.